The following is an entry in ClinVar:

NM_000414.4(HSD17B4):c.714+1G>C

Gene: HSD17B4 (hydroxysteroid 17-beta dehydrogenase 4; plus strand). Cytogenetic location: 5q23.1.
Variant type: single nucleotide variant.
Coding change: c.714+1G>C on transcript NM_000414.4 (MANE Select); the canonical splice donor site of the intron after coding-DNA position 714, G replaced by C.
Molecular consequence: splice donor variant.
Genome position (GRCh38, 1-based): chr5:119,489,284, G>C. VCF-style: chr5-119489284-G-C. GRCh37 (hg19) VCF-style: chr5-118824979-G-C.
Other names: c.303+1G>C (NM_001374503.1, NM_001374502.1, NM_001374501.1); c.789+1G>C (NM_001199291.3); c.387+1G>C (NM_001374499.1); c.273+1G>C (NM_001374500.1); c.294+1G>C (NM_001292028.2); c.642+1G>C (NM_001292027.2); c.714+1G>C (NM_001374498.1); c.705+1G>C (NM_001374497.1); and 1 more.
Identifiers: ClinVar variation 2946427 (VCV002946427.3), dbSNP rs2531677014, ClinGen allele CA360867068.

ClinVar aggregate classification (germline): Likely pathogenic (1 of 4 stars; one submission).

Conditions:
Perrault syndrome. Also called: Gonadal dysgenesis with auditory dysfunction, autosomal recessive inheritance. Identifiers: Orphanet 2855, MedGen C0685838, MONDO:0017312.
Bifunctional peroxisomal enzyme deficiency (DBIF). Also called: DBP DEFICIENCY; PBFE DEFICIENCY; D-bifunctional protein deficiency. Identifiers: Orphanet 300, MedGen C0342870, MONDO:0009855, OMIM 261515. Disease mechanism: loss of function.

Submission:

Labcorp Genetics (formerly Invitae), Labcorp
Classification: Likely pathogenic for Perrault syndrome; Bifunctional peroxisomal enzyme deficiency. Last evaluated: 2023-04-09. Review status: criteria provided, single submitter. Criteria: Invitae Variant Classification Sherloc (09022015). Collection method: clinical testing. Allele origin: germline.
Comment: In summary, the currently available evidence indicates that the variant is pathogenic, but additional data are needed to prove that conclusively. Therefore, this variant has been classified as Likely Pathogenic. Algorithms developed to predict the effect of sequence changes on RNA splicing suggest that this variant may disrupt the consensus splice site. This variant has not been reported in the literature in individuals affected with HSD17B4-related conditions. This variant is not present in population databases (gnomAD no frequency). This sequence change affects a donor splice site in intron 9 of the HSD17B4 gene. It is expected to disrupt RNA splicing. Variants that disrupt the donor or acceptor splice site typically lead to a loss of protein function (PMID: 16199547), and loss-of-function variants in HSD17B4 are known to be pathogenic (PMID: 11810648, 16385454, 20673864).

Literature cited by the submitters: PubMed 16199547; PubMed 11810648; PubMed 16385454; PubMed 20673864.